The following is an entry in ClinVar:

NM_018451.5(CPAP):c.287A>G (p.His96Arg)

Gene: CPAP (centrosome assembly and centriole elongation protein; minus strand). Cytogenetic location: 13q12.13.
Variant type: single nucleotide variant.
Coding change: c.287A>G on transcript NM_018451.5 (MANE Select); coding-DNA position 287, A replaced by G.
Protein change: p.His96Arg; replaces histidine 96 with arginine.
Molecular consequence: missense variant. On other transcripts: non-coding transcript variant (2).
Genome position (GRCh38, 1-based): chr13:24,912,739, T>C on the plus strand (A>G on the coding strand, the complement: CPAP is on the minus strand). VCF-style: chr13-24912739-T-C. GRCh37 (hg19) VCF-style: chr13-25486877-T-C.
Other names: short protein forms H96R.
Identifiers: ClinVar variation 158206 (VCV000158206.25), dbSNP rs61739263, ClinGen allele CA171690.

ClinVar aggregate classification (germline): Benign/Likely benign. Review status: criteria provided, multiple submitters, no conflicts (2 of 4 stars). 10 submissions from 9 submitters: Benign (5); Likely benign (2). 3 of the submissions do not count toward it. Last evaluated 2026-01-28.

Conditions:
CENPJ-related disorder. Also called: CENPJ-related condition; CENPJ-related disorders.
Seckel syndrome 4 (SCKL4). Identifiers: Orphanet 808, MedGen C3888212, MONDO:0013358, OMIM 613676.
Microcephaly 6, primary, autosomal recessive. Identifiers: Orphanet 2512, MedGen C1842109, MONDO:0012029, OMIM 608393.

Allele frequency attached by ClinVar (database versions not stated): gnomAD exomes 0.00129 and 0.00337; ExAC 0.00399; gnomAD 0.01123 and 0.01206; 1000 Genomes Project 0.01278; TOPMed 0.01298; 1000 Genomes Project 30x 0.01343; ESP Exome Variant Server 0.01538.
gnomAD v4.1: 3,702 of 1,614,202 alleles (0.23%); highest among the groups gnomAD compares: African/African-American, 3.7%; 70 homozygotes.

Submissions (10):

Labcorp Genetics (formerly Invitae), Labcorp
Classification: Benign. Last evaluated: 2026-01-28. Review status: criteria provided, single submitter. Criteria: Invitae Variant Classification Sherloc (09022015). Collection method: clinical testing. Allele origin: germline.

Illumina Laboratory Services, Illumina
Classification: Benign for Seckel syndrome 4. Last evaluated: 2018-01-12. Review status: criteria provided, single submitter. Criteria: ICSL Variant Classification Criteria 13 December 2019. Collection method: clinical testing. Allele origin: germline.
Comment: This variant was observed in the ICSL laboratory as part of a predisposition screen in an ostensibly healthy population. It had not been previously curated by ICSL or reported in the Human Gene Mutation Database (HGMD: prior to June 1st, 2018), and was therefore a candidate for classification through an automated scoring system. Utilizing variant allele frequency, disease prevalence and penetrance estimates, and inheritance mode, an automated score was calculated to assess if this variant is too frequent to cause the disease. Based on the score and internal cut-off values, a variant classified as benign is not then subjected to further curation. The score for this variant resulted in a classification of benign for this disease.

Illumina Laboratory Services, Illumina
Classification: Benign for Microcephaly 6, primary, autosomal recessive. Last evaluated: 2018-01-12. Review status: criteria provided, single submitter. Criteria: ICSL Variant Classification Criteria 13 December 2019. Collection method: clinical testing. Allele origin: germline.
Comment: the same text as in the submission from Illumina Laboratory Services, Illumina above.

Center for Pediatric Genomic Medicine, Children's Mercy Hospital and Clinics
Classification: Likely benign. Last evaluated: 2016-09-23. Review status: criteria provided, single submitter. Criteria: ACMG Guidelines, 2015. Collection method: clinical testing. Allele origin: germline.
ClinVar note: Converted during submission from Likely Benign to Likely benign.

GeneDx
Classification: Benign. Last evaluated: 2016-08-09. Review status: criteria provided, single submitter. Criteria: GeneDx Variant Classification (06012015). Collection method: clinical testing. Allele origin: germline. Affected: yes.
Comment: This variant is considered likely benign or benign based on one or more of the following criteria: it is a conservative change, it occurs at a poorly conserved position in the protein, it is predicted to be benign by multiple in silico algorithms, and/or has population frequency not consistent with disease.

Genetic Services Laboratory, University of Chicago
Classification: Benign. Last evaluated: 2013-06-26. Review status: criteria provided, single submitter. Criteria: ACMG Guidelines, 2007. Collection method: clinical testing. Allele origin: germline. Inheritance: Autosomal recessive inheritance.

Breakthrough Genomics
Classification: Likely benign. Review status: criteria provided, single submitter. Criteria: ACMG Guidelines, 2015. Collection method: not provided. Allele origin: germline. Inheritance: Autosomal recessive inheritance. Affected: yes.

PreventionGenetics, part of Exact Sciences
Classification: Benign for CENPJ-related condition. Last evaluated: 2019-03-08. Review status: no assertion criteria provided. Collection method: clinical testing. Allele origin: germline. Not counted in ClinVar's aggregate classification.
Comment: This variant is classified as benign based on ACMG/AMP sequence variant interpretation guidelines (Richards et al. 2015 PMID: 25741868, with internal and published modifications).

Clinical Genetics DNA and cytogenetics Diagnostics Lab, Erasmus MC, Erasmus Medical Center
Classification: Benign. Review status: no assertion criteria provided. Collection method: clinical testing. Allele origin: germline. Affected: yes. Study: VKGL Data-share Consensus. Not counted in ClinVar's aggregate classification.

Laboratory of Diagnostic Genome Analysis, Leiden University Medical Center (LUMC)
Classification: Likely benign. Review status: no assertion criteria provided. Collection method: clinical testing. Allele origin: germline. Affected: yes. Study: VKGL Data-share Consensus. Not counted in ClinVar's aggregate classification.